The following is an entry in ClinVar:

ClinVar aggregate classification (germline): Uncertain significance (1 of 4 stars; one submission).

Allele frequency attached by ClinVar (database versions not stated): gnomAD exomes below 0.00001.
gnomAD v4.1: 1 of 1,592,042 alleles (0.000063%); highest among the groups gnomAD compares: Non-Finnish European, 0.000086%; no homozygotes.

Submission:

Labcorp Genetics (formerly Invitae), Labcorp
Classification: Uncertain significance. Last evaluated: 2021-04-13. Review status: criteria provided, single submitter. Criteria: Invitae Variant Classification Sherloc (09022015). Collection method: clinical testing. Allele origin: germline.
Comment: In summary, the available evidence is currently insufficient to determine the role of this variant in disease. Therefore, it has been classified as a Variant of Uncertain Significance. Algorithms developed to predict the effect of missense changes on protein structure and function are either unavailable or do not agree on the potential impact of this missense change (SIFT: "Deleterious"; PolyPhen-2: "Probably Damaging"; Align-GVGD: "Class C0"). This variant has not been reported in the literature in individuals with KIF11-related conditions. This variant is not present in population databases (ExAC no frequency). This sequence change replaces isoleucine with methionine at codon 79 of the KIF11 protein (p.Ile79Met). The isoleucine residue is highly conserved and there is a small physicochemical difference between isoleucine and methionine.

NM_004523.4(KIF11):c.237T>G (p.Ile79Met)

Gene: KIF11 (kinesin family member 11; plus strand). Cytogenetic location: 10q23.33.
Variant type: single nucleotide variant.
Coding change: c.237T>G on transcript NM_004523.4 (MANE Select); coding-DNA position 237, T replaced by G.
Protein change: p.Ile79Met; replaces isoleucine 79 with methionine.
Molecular consequence: missense variant.
Genome position (GRCh38, 1-based): chr10:92,606,645, T>G. VCF-style: chr10-92606645-T-G. GRCh37 (hg19) VCF-style: chr10-94366402-T-G.
Other names: short protein forms I79M.
Identifiers: ClinVar variation 1022603 (VCV001022603.8), dbSNP rs1661349303, ClinGen allele CA377588398.
Genomic context (GRCh38, chr10:92,606,645, plus strand): 5'-GGTTGATTTTTTTTTTTTTAATTTTTTTCGTTAGGTGTTTGGAGCATCTACTAAACAGAT[T>G]GATGTTTACCGAAGTGTTGTTTGTCCAATTCTGGATGAAGTTATTATGGGCTATAATTGC-3'
Protein context (NP_004514.2, residues 69-89): DMVFGASTKQ[Ile79Met]DVYRSVVCPI